The following is an entry in ClinVar:

NM_005632.3(CAPN15):c.1347G>A (p.Ala449=)

Gene: CAPN15 (calpain 15; plus strand). Cytogenetic location: 16p13.3.
Variant type: single nucleotide variant.
Coding change: c.1347G>A on transcript NM_005632.3 (MANE Select); coding-DNA position 1347, G replaced by A.
Protein change: p.Ala449=; no amino-acid change (alanine 449 retained).
Molecular consequence: synonymous variant.
Genome position (GRCh38, 1-based): chr16:548,185, G>A. VCF-style: chr16-548185-G-A. GRCh37 (hg19) VCF-style: chr16-598185-G-A.
Identifiers: ClinVar variation 2645801 (VCV002645801.25), dbSNP rs376305319, ClinGen allele CA7778317.

ClinVar aggregate classification (germline): Likely benign. Review status: criteria provided, multiple submitters, no conflicts (2 of 4 stars). 2 submissions from 2 submitters: Likely benign (2). Last evaluated 2024-08-16.

Allele frequency attached by ClinVar (database versions not stated): gnomAD exomes 0.00003; ESP Exome Variant Server 0.00008; gnomAD 0.00014; 1000 Genomes Project 30x 0.00016; 1000 Genomes Project 0.00020; ExAC 0.00034.

Submissions (2):

Blueprint Genetics
Classification: Likely benign. Last evaluated: 2024-08-16. Review status: criteria provided, single submitter. Criteria: ACMG Guidelines, 2015. Collection method: clinical testing. Allele origin: germline.

CeGaT Center for Human Genetics Tuebingen
Classification: Likely benign. Last evaluated: 2022-03-01. Review status: criteria provided, single submitter. Criteria: CeGaT Center For Human Genetics Tuebingen Variant Classification Criteria Version 2. Collection method: clinical testing. Allele origin: germline. Affected: yes. Observed: 1 variant allele.
Comment: CAPN15: BP4, BP7